The following is an entry in ClinVar:

NM_004958.4(MTOR):c.5799T>C (p.Asp1933=)

Gene: MTOR (mechanistic target of rapamycin kinase; minus strand). Cytogenetic location: 1p36.22.
Variant type: single nucleotide variant.
Coding change: c.5799T>C on transcript NM_004958.4 (MANE Select); coding-DNA position 5799, T replaced by C.
Protein change: p.Asp1933=; no amino-acid change (aspartic acid 1933 retained).
Molecular consequence: synonymous variant.
Genome position (GRCh38, 1-based): chr1:11,128,867, A>G on the plus strand (T>C on the coding strand, the complement: MTOR is on the minus strand). VCF-style: chr1-11128867-A-G. GRCh37 (hg19) VCF-style: chr1-11188924-A-G.
Other names: c.5799T>C, p.Asp1933= (NM_001386500.1); c.4551T>C, p.Asp1517= (NM_001386501.1).
Identifiers: ClinVar variation 1133157 (VCV001133157.14), dbSNP rs766184830, ClinGen allele CA589253.

ClinVar aggregate classification (germline): Likely benign. Review status: criteria provided, multiple submitters, no conflicts (2 of 4 stars). 2 submissions from 2 submitters: Likely benign (2). Last evaluated 2025-12-01.

Allele frequency attached by ClinVar (database versions not stated): gnomAD exomes 0.00001 and 0.00002; ExAC 0.00002; gnomAD 0.00002; TOPMed 0.00003.
gnomAD v4.1: 14 of 1,613,506 alleles (0.00087%); highest among the groups gnomAD compares: Admixed American, 0.0033%; no homozygotes.

Submissions (2):

CeGaT Center for Human Genetics Tuebingen
Classification: Likely benign. Last evaluated: 2025-12-01. Review status: criteria provided, single submitter. Criteria: CeGaT Center For Human Genetics Tuebingen Variant Classification Criteria Version 2. Collection method: clinical testing. Allele origin: germline. Affected: yes. Observed: 1 variant allele.
Comment: MTOR: BP4, BP7

Labcorp Genetics (formerly Invitae), Labcorp
Classification: Likely benign. Last evaluated: 2025-05-30. Review status: criteria provided, single submitter. Criteria: Invitae Variant Classification Sherloc (09022015). Collection method: clinical testing. Allele origin: germline.